The following is an entry in ClinVar:

ClinVar aggregate classification (germline): Uncertain significance (1 of 4 stars; one submission).

Conditions:
Mosaic variegated aneuploidy syndrome 1 (MVA1). Also called: Warburton-Anyane-Yeboa syndrome. Identifiers: Orphanet 1052, MedGen C1850343, MONDO:0009759, OMIM 257300.

Submission:

Labcorp Genetics (formerly Invitae), Labcorp
Classification: Uncertain significance for Mosaic variegated aneuploidy syndrome 1. Last evaluated: 2026-01-05. Review status: criteria provided, single submitter. Criteria: Invitae Variant Classification Sherloc (09022015). Collection method: clinical testing. Allele origin: germline.
Comment: This variant, c.1127_1128delinsTT, is a complex sequence change that results in the deletion and insertion of 1 amino acid(s) in the BUB1B protein (p.Gly376Val). This variant is present in population databases (rs386783327, gnomAD 0.01%). This variant has not been reported in the literature in individuals affected with BUB1B-related conditions. ClinVar contains an entry for this variant (Variation ID: 403737). An algorithm developed to predict the effect of missense changes on protein structure and function (PolyPhen-2) suggests that this variant is likely to be tolerated. In summary, the available evidence is currently insufficient to determine the role of this variant in disease. Therefore, it has been classified as a Variant of Uncertain Significance.

NM_001211.6(BUB1B):c.1127_1128delinsTT (p.Gly376Val)

Gene: BUB1B (BUB1 mitotic checkpoint serine/threonine kinase B; plus strand). Cytogenetic location: 15q15.1.
Variant type: Indel.
Coding change: c.1127_1128delinsTT on transcript NM_001211.6 (MANE Select); coding-DNA positions 1127 to 1128, GA replaced by TT.
Protein change: p.Gly376Val; replaces glycine 376 with valine.
Molecular consequence: missense variant.
Genome position (GRCh38, 1-based): chr15:40,196,613-40,196,614, GA replaced by TT. VCF-style: chr15-40196613-GA-TT. GRCh37 (hg19) VCF-style: chr15-40488814-GA-TT.
Other names: c.1127_1128delGAinsTT (NM_001211.5); short protein forms G376V.
Identifiers: ClinVar variation 403737 (VCV000403737.11), dbSNP rs386783327, ClinGen allele CA16614595.
Genomic context (GRCh38, chr15:40,196,613, plus strand): 5'-GTAAAATTGAACCTAGTATAAACCACATCCTAAGCACCAGAAAGCCTGGAAAGGAAGAAG[GA>TT]GATCCTCTACAAAGGGTTCAGAGCCATCAGCAAGCGTCTGAGGAGAAGAAAGAGAAGATG-3'
Protein context (NP_001202.5, residues 366-386): LSTRKPGKEE[Gly376Val]DPLQRVQSHQ